The following is an entry in ClinVar:

NM_001792.5(CDH2):c.1288C>T (p.Arg430Trp)

Gene: CDH2 (cadherin 2; minus strand). Cytogenetic location: 18q12.1.
Variant type: single nucleotide variant.
Coding change: c.1288C>T on transcript NM_001792.5 (MANE Select); coding-DNA position 1288, C replaced by T.
Protein change: p.Arg430Trp; replaces arginine 430 with tryptophan.
Molecular consequence: missense variant.
Genome position (GRCh38, 1-based): chr18:27,992,711, G>A on the plus strand (C>T on the coding strand, the complement: CDH2 is on the minus strand). VCF-style: chr18-27992711-G-A. GRCh37 (hg19) VCF-style: chr18-25572675-G-A.
Other names: c.1195C>T, p.Arg399Trp (NM_001308176.2); short protein forms R399W, R430W.
Identifiers: ClinVar variation 1426793 (VCV001426793.7), dbSNP rs199882009, ClinGen allele CA8923464.
Genomic context (GRCh38, chr18:27,992,711, plus strand): 5'-TTACTTTGACCACGGTGACTAACCCGTCGTTGCTGTTTGGGTCGGTCTGGATGGCGAACC[G>A]TCCAGTAGGATCTCCGCCACTGATTCTGTACACTGCGTTCCAGGCTGGTGTATGGGGTTG-3'
Protein context (NP_001783.2, residues 420-440): YRISGGDPTG[Arg430Trp]FAIQTDPNSN

ClinVar aggregate classification (germline): Uncertain significance. Review status: criteria provided, multiple submitters, no conflicts (2 of 4 stars). 2 submissions from 2 submitters: Uncertain significance (2). Last evaluated 2025-09-16.

Conditions:
Cardiovascular phenotype. Identifiers: MedGen CN230736.

Allele frequency attached by ClinVar (database versions not stated): gnomAD exomes 0.00003 and 0.00004; TOPMed 0.00003; gnomAD 0.00005 and 0.00007; ExAC 0.00006.
gnomAD v4.1: 58 of 1,613,766 alleles (0.0036%); highest among the groups gnomAD compares: Middle Eastern, 0.033%; no homozygotes.

Submissions (2):

Labcorp Genetics (formerly Invitae), Labcorp
Classification: Uncertain significance. Last evaluated: 2025-09-16. Review status: criteria provided, single submitter. Criteria: Invitae Variant Classification Sherloc (09022015). Collection method: clinical testing. Allele origin: germline.
Comment: This sequence change replaces arginine, which is basic and polar, with tryptophan, which is neutral and slightly polar, at codon 430 of the CDH2 protein (p.Arg430Trp). This variant is present in population databases (rs199882009, gnomAD 0.01%). This missense change has been observed in individual(s) with unexplained cardiac arrest (PMID: 35352813). ClinVar contains an entry for this variant (Variation ID: 1426793). An algorithm developed to predict the effect of missense changes on protein structure and function (PolyPhen-2) suggests that this variant is likely to be disruptive. In summary, the available evidence is currently insufficient to determine the role of this variant in disease. Therefore, it has been classified as a Variant of Uncertain Significance.

Molecular Diagnostic Laboratory for Inherited Cardiovascular Disease, Montreal Heart Institute
Classification: Uncertain significance for Cardiovascular phenotype. Last evaluated: 2025-04-09. Review status: criteria provided, single submitter. Criteria: ACMG Guidelines, 2015. Collection method: clinical testing. Allele origin: germline. Affected: yes.

Literature cited by the submitters: PubMed 35352813 (cited by Labcorp Genetics (formerly Invitae), Labcorp).